The following is an entry in ClinVar:

NM_001368067.1(LDB3):c.830A>C (p.Gln277Pro)

Gene: LDB3 (LIM domain binding 3; plus strand). Cytogenetic location: 10q23.2.
Variant type: single nucleotide variant.
Coding change: c.830A>C on transcript NM_001368067.1 (MANE Plus Clinical); coding-DNA position 830, A replaced by C.
Protein change: p.Gln277Pro; replaces glutamine 277 with proline.
Molecular consequence: missense variant. On other transcripts: intron variant (6).
Genome position (GRCh38, 1-based): chr10:86,699,352, A>C. VCF-style: chr10-86699352-A-C. GRCh37 (hg19) VCF-style: chr10-88459109-A-C.
Other names: c.971A>C, p.Gln324Pro (NM_001080115.2, NM_001368063.1); c.830A>C, p.Gln277Pro (NM_001080116.1, NM_001368068.1); c.1175A>C, p.Gln392Pro (NM_001171611.2); c.896+6781A>C (NM_001368064.1, NM_007078.3, NM_001368065.1); c.1100+6781A>C (NM_001171610.2); c.755+6781A>C (NM_001368066.1, NM_001080114.2); short protein forms Q392P, Q277P, Q324P.
Identifiers: ClinVar variation 665148 (VCV000665148.9), dbSNP rs1589656313, ClinGen allele CA377445235.

ClinVar aggregate classification (germline): Uncertain significance (1 of 4 stars; one submission).

Conditions:
Myofibrillar myopathy 4. Also called: Zaspopathy (type). Identifiers: Orphanet 98912, MedGen C4721886, MONDO:0012277, OMIM 609452.

Submission:

Labcorp Genetics (formerly Invitae), Labcorp
Classification: Uncertain significance for Myofibrillar myopathy 4. Last evaluated: 2018-09-24. Review status: criteria provided, single submitter. Criteria: Invitae Variant Classification Sherloc (09022015). Collection method: clinical testing. Allele origin: germline.
Comment: This sequence change replaces glutamine with proline at codon 277 of the LDB3 protein (p.Gln277Pro). The glutamine residue is highly conserved and there is a moderate physicochemical difference between glutamine and proline. This variant is not present in population databases (ExAC no frequency). This variant has not been reported in the literature in individuals with LDB3-related disease. Algorithms developed to predict the effect of missense changes on protein structure and function are either unavailable or do not agree on the potential impact of this missense change (SIFT: "Deleterious"; PolyPhen-2: "Possibly Damaging"; Align-GVGD: "Class C0"). In summary, the available evidence is currently insufficient to determine the role of this variant in disease. Therefore, it has been classified as a Variant of Uncertain Significance.